The following is an entry in ClinVar:

ClinVar aggregate classification (germline): Uncertain significance. Review status: criteria provided, multiple submitters, no conflicts (2 of 4 stars). 2 submissions from 2 submitters: Uncertain significance (2). Last evaluated 2022-10-17.

Allele frequency attached by ClinVar (database versions not stated): gnomAD exomes 0.00001; TOPMed 0.00002.
gnomAD v4.1: 21 of 1,611,744 alleles (0.0013%); highest among the groups gnomAD compares: Non-Finnish European, 0.0016%; no homozygotes.

Submissions (2):

Labcorp Genetics (formerly Invitae), Labcorp
Classification: Uncertain significance. Last evaluated: 2022-10-17. Review status: criteria provided, single submitter. Criteria: Invitae Variant Classification Sherloc (09022015). Collection method: clinical testing. Allele origin: germline.
Comment: In summary, the available evidence is currently insufficient to determine the role of this variant in disease. Therefore, it has been classified as a Variant of Uncertain Significance. Advanced modeling of protein sequence and biophysical properties (such as structural, functional, and spatial information, amino acid conservation, physicochemical variation, residue mobility, and thermodynamic stability) performed at Invitae indicates that this missense variant is not expected to disrupt ITGA8 protein function. ClinVar contains an entry for this variant (Variation ID: 1364587). This variant has not been reported in the literature in individuals affected with ITGA8-related conditions. This variant is present in population databases (no rsID available, gnomAD 0.002%). This sequence change replaces alanine, which is neutral and non-polar, with threonine, which is neutral and polar, at codon 552 of the ITGA8 protein (p.Ala552Thr).

Breakthrough Genomics
Classification: Uncertain significance. Review status: criteria provided, single submitter. Criteria: ACMG Guidelines, 2015. Collection method: not provided. Allele origin: germline. Inheritance: Autosomal recessive inheritance. Affected: yes.

NM_003638.3(ITGA8):c.1654G>A (p.Ala552Thr)

Gene: ITGA8 (integrin subunit alpha 8; minus strand). Cytogenetic location: 10p13.
Variant type: single nucleotide variant.
Coding change: c.1654G>A on transcript NM_003638.3 (MANE Select); coding-DNA position 1654, G replaced by A.
Protein change: p.Ala552Thr; replaces alanine 552 with threonine.
Molecular consequence: missense variant.
Genome position (GRCh38, 1-based): chr10:15,607,787, C>T on the plus strand (G>A on the coding strand, the complement: ITGA8 is on the minus strand). VCF-style: chr10-15607787-C-T. GRCh37 (hg19) VCF-style: chr10-15649786-C-T.
Other names: c.1609G>A, p.Ala537Thr (NM_001291494.2); short protein forms A537T, A552T.
Identifiers: ClinVar variation 1364587 (VCV001364587.8), dbSNP rs1428674260, ClinGen allele CA376102733.
Genomic context (GRCh38, chr10:15,607,787, plus strand): 5'-TCACAAGAGGGAAGACGCGATGAGCCTGATGGTTATCAAGGAAGAGCGTCCGTTTAATAG[C>T]TCCTTTCTGTTTCAGGGAATCTAATTGCACCTCTGCCATCAAGACTAAAGGACAGAAGTA-3'
Protein context (NP_003629.2, residues 542-562): VQLDSLKQKG[Ala552Thr]IKRTLFLDNH